The following is an entry in ClinVar:

ClinVar aggregate classification (germline): Uncertain significance (1 of 4 stars; one submission).

Allele frequency attached by ClinVar (database versions not stated): gnomAD 0.00001; gnomAD exomes 0.00001; TOPMed 0.00001; ExAC 0.00002.

Submission:

Labcorp Genetics (formerly Invitae), Labcorp
Classification: Uncertain significance. Last evaluated: 2022-02-12. Review status: criteria provided, single submitter. Criteria: Invitae Variant Classification Sherloc (09022015). Collection method: clinical testing. Allele origin: germline.
Comment: This sequence change replaces glutamic acid, which is acidic and polar, with aspartic acid, which is acidic and polar, at codon 4962 of the FAT4 protein (p.Glu4962Asp). This variant is present in population databases (rs775249903, gnomAD 0.003%). This variant has not been reported in the literature in individuals affected with FAT4-related conditions. Advanced modeling of protein sequence and biophysical properties (such as structural, functional, and spatial information, amino acid conservation, physicochemical variation, residue mobility, and thermodynamic stability) performed at Invitae indicates that this missense variant is not expected to disrupt FAT4 protein function. In summary, the available evidence is currently insufficient to determine the role of this variant in disease. Therefore, it has been classified as a Variant of Uncertain Significance.

NM_001291303.3(FAT4):c.14892A>C (p.Glu4964Asp)

Gene: FAT4 (FAT atypical cadherin 4; plus strand). Cytogenetic location: 4q28.1.
Variant type: single nucleotide variant.
Coding change: c.14892A>C on transcript NM_001291303.3 (MANE Select); coding-DNA position 14892, A replaced by C.
Protein change: p.Glu4964Asp; replaces glutamic acid 4964 with aspartic acid.
Molecular consequence: missense variant.
Genome position (GRCh38, 1-based): chr4:125,491,708, A>C. VCF-style: chr4-125491708-A-C. GRCh37 (hg19) VCF-style: chr4-126412863-A-C.
Other names: c.14889A>C, p.Glu4963Asp (NM_001291285.3); c.14886A>C, p.Glu4962Asp (NM_024582.6); short protein forms E4962D, E4963D, E4964D.
Identifiers: ClinVar variation 1970663 (VCV001970663.2), dbSNP rs775249903, ClinGen allele CA3074639.